The following is an entry in ClinVar:

NM_183235.3(RAB27A):c.*668A>G

Gene: RAB27A (RAB27A, member RAS oncogene family; minus strand). Cytogenetic location: 15q21.3.
Variant type: single nucleotide variant.
Coding change: c.*668A>G on transcript NM_183235.3 (MANE Select); 668 bases downstream of the stop codon, A replaced by G.
Molecular consequence: 3 prime UTR variant.
Genome position (GRCh38, 1-based): chr15:55,204,839, T>C on the plus strand (A>G on the coding strand, the complement: RAB27A is on the minus strand). VCF-style: chr15-55204839-T-C. GRCh37 (hg19) VCF-style: chr15-55497037-T-C.
Other names: c.*668A>G (NM_004580.5, NM_183234.3, NM_183236.3).
Identifiers: ClinVar variation 885881 (VCV000885881.4), dbSNP rs118003408, ClinGen allele CA271242056.

ClinVar aggregate classification (germline): Likely benign (1 of 4 stars; one submission).

Conditions:
Griscelli syndrome type 2 (GS2). Also called: GRISCELLI SYNDROME WITH HEMOPHAGOCYTIC SYNDROME; PAID SYNDROME; PARTIAL ALBINISM AND IMMUNODEFICIENCY SYNDROME. Identifiers: Orphanet 381, Orphanet 79477, MedGen C1868679, MONDO:0011872, OMIM 607624.

Allele frequency attached by ClinVar (database versions not stated): gnomAD 0.00016 and 0.00023; TOPMed 0.00040; 1000 Genomes Project 30x 0.00125; 1000 Genomes Project 0.00180.

Submission:

Illumina Laboratory Services, Illumina
Classification: Likely benign for Griscelli syndrome type 2. Last evaluated: 2018-01-13. Review status: criteria provided, single submitter. Criteria: ICSL Variant Classification Criteria 13 December 2019. Collection method: clinical testing. Allele origin: germline.
Comment: This variant was observed in the ICSL laboratory as part of a predisposition screen in an ostensibly healthy population. It had not been previously curated by ICSL or reported in the Human Gene Mutation Database (HGMD: prior to June 1st, 2018), and was therefore a candidate for classification through an automated scoring system. Utilizing variant allele frequency, disease prevalence and penetrance estimates, and inheritance mode, an automated score was calculated to assess if this variant is too frequent to cause the disease. Based on the score and internal cut-off values, a variant classified as likely benign is not then subjected to further curation. The score for this variant resulted in a classification of likely benign for this disease.